The following is an entry in ClinVar:

NM_052867.4(NALCN):c.3970C>T (p.Leu1324Phe)

Gene: NALCN (sodium leak channel, non-selective; minus strand). Cytogenetic location: 13q32.3.
Variant type: single nucleotide variant.
Coding change: c.3970C>T on transcript NM_052867.4 (MANE Select); coding-DNA position 3970, C replaced by T.
Protein change: p.Leu1324Phe; replaces leucine 1324 with phenylalanine.
Molecular consequence: missense variant.
Genome position (GRCh38, 1-based): chr13:101,074,647, G>A on the plus strand (C>T on the coding strand, the complement: NALCN is on the minus strand). VCF-style: chr13-101074647-G-A. GRCh37 (hg19) VCF-style: chr13-101726998-G-A.
Other names: c.4057C>T, p.Leu1353Phe (NM_001350748.2); c.3970C>T, p.Leu1324Phe (NM_001350749.2); c.3883C>T, p.Leu1295Phe (NM_001350750.2, NM_001350751.2); short protein forms L1295F, L1324F, L1353F.
Identifiers: ClinVar variation 4685487 (VCV004685487.2).

ClinVar aggregate classification (germline): Pathogenic/Likely pathogenic. Review status: criteria provided, multiple submitters, no conflicts (2 of 4 stars). 2 submissions from 2 submitters: Pathogenic (1); Likely pathogenic (1). Last evaluated 2025-12-18.

Conditions:
Congenital contractures of the limbs and face, hypotonia, and developmental delay (CLIFAHDD). Identifiers: Orphanet 562528, MedGen C4225398, MONDO:0014556, OMIM 616266.

Submissions (2):

Equipe Genetique des Anomalies du Developpement, Université de Bourgogne
Classification: Likely pathogenic for Congenital contractures of the limbs and face, hypotonia, and developmental delay. Last evaluated: 2025-12-18. Review status: criteria provided, single submitter. Criteria: ACMG Guidelines, 2015. Collection method: clinical testing. Allele origin: de novo. Affected: yes.

Imagene.me medical diagnostic laboratory, IMAGENE.ME SA
Classification: Pathogenic for Congenital contractures of the limbs and face, hypotonia, and developmental delay. Review status: criteria provided, single submitter. Criteria: IMAGENE.ME Variant Classification SOP 2022. Collection method: clinical testing. Allele origin: de novo. Affected: yes.
Comment: Classified according to the IMAGENE.ME variant classification SOP based on the ACMG guidelines as Pathogenic (P): PS2 + PM2 + PM1 + PP3_Moderate + PP2 + PP4